The following is an entry in ClinVar:

ClinVar aggregate classification (germline): Uncertain significance. Review status: criteria provided, multiple submitters, no conflicts (2 of 4 stars). 2 submissions from 2 submitters: Uncertain significance (2). Last evaluated 2021-08-22.

Conditions:
Hyperekplexia 2 (HKPX2). Identifiers: Orphanet 3197, MedGen C3553291, MONDO:0013828, OMIM 614619.

Allele frequency attached by ClinVar (database versions not stated): TOPMed below 0.00001; gnomAD 0.00001.

Submissions (2):

Labcorp Genetics (formerly Invitae), Labcorp
Classification: Uncertain significance for Hyperekplexia 2. Last evaluated: 2021-08-22. Review status: criteria provided, single submitter. Criteria: Invitae Variant Classification Sherloc (09022015). Collection method: clinical testing. Allele origin: germline.
Comment: This sequence change replaces glycine with aspartic acid at codon 241 of the GLRB protein (p.Gly241Asp). The glycine residue is highly conserved and there is a moderate physicochemical difference between glycine and aspartic acid. This variant is not present in population databases (ExAC no frequency). This variant has not been reported in the literature in individuals affected with GLRB-related conditions. Advanced modeling of protein sequence and biophysical properties (such as structural, functional, and spatial information, amino acid conservation, physicochemical variation, residue mobility, and thermodynamic stability) performed at Invitae indicates that this missense variant is not expected to disrupt GLRB protein function. In summary, the available evidence is currently insufficient to determine the role of this variant in disease. Therefore, it has been classified as a Variant of Uncertain Significance.

Blueprint Genetics
Classification: Uncertain significance. Last evaluated: 2021-05-21. Review status: criteria provided, single submitter. Criteria: ACMG Guidelines, 2015. Collection method: clinical testing. Allele origin: germline.

NM_000824.5(GLRB):c.722G>A (p.Gly241Asp)

Gene: GLRB (glycine receptor beta; plus strand). Cytogenetic location: 4q32.1.
Variant type: single nucleotide variant.
Coding change: c.722G>A on transcript NM_000824.5 (MANE Select); coding-DNA position 722, G replaced by A.
Protein change: p.Gly241Asp; replaces glycine 241 with aspartic acid.
Molecular consequence: missense variant.
Genome position (GRCh38, 1-based): chr4:157,138,920, G>A. VCF-style: chr4-157138920-G-A. GRCh37 (hg19) VCF-style: chr4-158060072-G-A.
Other names: c.722G>A, p.Gly241Asp (NM_001166060.2, NM_001166061.2); short protein forms G241D.
Identifiers: ClinVar variation 1475143 (VCV001475143.4), dbSNP rs981353015, ClinGen allele CA109164150.